The following is an entry in ClinVar:

NM_002016.2(FLG):c.967G>T (p.Gly323Ter)

Genes: CCDST (cervical cancer associated DHX9 suppressive transcript; plus strand), FLG (filaggrin; minus strand). Cytogenetic location: 1q21.3.
Variant type: single nucleotide variant.
Coding change: c.967G>T on transcript NM_002016.2 (MANE Select); coding-DNA position 967, G replaced by T.
Protein change: p.Gly323Ter; replaces glycine 323 with a stop codon.
Molecular consequence: nonsense. On other transcripts: non-coding transcript variant (1).
Genome position (GRCh38, 1-based): chr1:152,313,919, C>A on the plus strand (G>T on the coding strand, the complement: FLG is on the minus strand). VCF-style: chr1-152313919-C-A. GRCh37 (hg19) VCF-style: chr1-152286395-C-A.
Other names: short protein forms G323*.
Identifiers: ClinVar variation 3383187 (VCV003383187.2).

ClinVar aggregate classification (germline): Likely pathogenic (1 of 4 stars; one submission).

Conditions:
Ichthyosis vulgaris. Also called: ICHTHYOSIS SIMPLEX; Dominant ichthyosis vulgaris. Identifiers: MedGen C0079584, MONDO:0024304, OMIM 146700.

gnomAD v4.1: 4 of 1,613,954 alleles (0.00025%); highest among the groups gnomAD compares: East Asian, 0.0067%; no homozygotes.

Submission:

Juno Genomics, Hangzhou Juno Genomics, Inc
Classification: Likely pathogenic for Ichthyosis vulgaris. Review status: criteria provided, single submitter. Criteria: ACMG Guidelines, 2015. Collection method: clinical testing. Allele origin: germline. Affected: yes.
Comment: Null variant in a gene where loss of function (LOF) is a known mechanism of disease.;Absent from controls (or at extremely low frequency if recessive) in Genome Aggregation Database, Exome Sequencing Project, 1000 Genomes Project, or Exome Aggregation Consortium.;Patient's phenotype or family history is highly specific for a disease with a single genetic etiology.